The following is an entry in ClinVar:

ClinVar aggregate classification (germline): Conflicting classifications of pathogenicity. Review status: criteria provided, conflicting classifications (1 of 4 stars). 4 submissions from 4 submitters: Uncertain significance (3); Likely benign (1). Last evaluated 2026-02-12.

Conditions:
Holoprosencephaly 11 (HPE11). Identifiers: Orphanet 2162, MedGen C3280215, MONDO:0013642, OMIM 614226.
Inborn genetic diseases. Identifiers: MedGen C0950123, MeSH D030342.

Allele frequency attached by ClinVar (database versions not stated): TOPMed below 0.00001; gnomAD 0.00002; gnomAD exomes 0.00002.
gnomAD v4.1: 26 of 1,610,754 alleles (0.0016%); highest among the groups gnomAD compares: Non-Finnish European, 0.0022%; no homozygotes.

Submissions (4):

Centre for Medical Genetics,  Mumbai
Classification: Likely benign for Holoprosencephaly 11. Last evaluated: 2026-02-12. Review status: criteria provided, single submitter. Criteria: ACMG Guidelines, 2015. Collection method: provider interpretation. Allele origin: germline. Inheritance: Autosomal dominant inheritance. Affected: no. Observed: 1 heterozygote.
Comment: The variant satisfies PM2 criteria; Extremely low frequency in gnomAD population databases. The variant satisfies BP4 criteria; For a missense or a splice region variant, computational prediction tools unanimously support a benign effect on the gene. However, the variant satisfies BS2 criteria; present in heterozygous state in an individual that clinically does not have holoprosencephaly.

Labcorp Genetics (formerly Invitae), Labcorp
Classification: Uncertain significance for Holoprosencephaly 11. Last evaluated: 2025-03-17. Review status: criteria provided, single submitter. Criteria: Invitae Variant Classification Sherloc (09022015). Collection method: clinical testing. Allele origin: germline.
Comment: This sequence change replaces proline, which is neutral and non-polar, with serine, which is neutral and polar, at codon 3 of the CDON protein (p.Pro3Ser). This variant is present in population databases (rs771518021, gnomAD 0.01%). This variant has not been reported in the literature in individuals affected with CDON-related conditions. ClinVar contains an entry for this variant (Variation ID: 930547). An algorithm developed to predict the effect of missense changes on protein structure and function (PolyPhen-2) suggests that this variant is likely to be tolerated. In summary, the available evidence is currently insufficient to determine the role of this variant in disease. Therefore, it has been classified as a Variant of Uncertain Significance.

Ambry Genetics
Classification: Uncertain significance for Inborn genetic diseases. Last evaluated: 2024-05-09. Review status: criteria provided, single submitter. Criteria: Ambry Variant Classification Scheme 2023. Collection method: clinical testing. Allele origin: germline.

Centre for Mendelian Genomics, University Medical Centre Ljubljana
Classification: Uncertain significance for Holoprosencephaly 11. Last evaluated: 2019-08-21. Review status: criteria provided, single submitter. Criteria: ACMG Guidelines, 2015. Collection method: clinical testing. Allele origin: unknown. Affected: yes.
Comment: This variant was classified as: Uncertain significance. The available evidence on this variant's pathogenicity is insufficient or conflicting. The following ACMG criteria were applied in classifying this variant: No criteria apply.

Literature cited by the submitters: PubMed 21802063 (cited by Centre for Medical Genetics,  Mumbai).

NM_001378964.1(CDON):c.7C>T (p.Pro3Ser)

Gene: CDON (cell adhesion associated, oncogene regulated; minus strand). Cytogenetic location: 11q24.2.
Variant type: single nucleotide variant.
Coding change: c.7C>T on transcript NM_001378964.1 (MANE Select); coding-DNA position 7, C replaced by T.
Protein change: p.Pro3Ser; replaces proline 3 with serine.
Molecular consequence: missense variant.
Genome position (GRCh38, 1-based): chr11:126,023,470, G>A on the plus strand (C>T on the coding strand, the complement: CDON is on the minus strand). VCF-style: chr11-126023470-G-A. GRCh37 (hg19) VCF-style: chr11-125893365-G-A.
Other names: c.7C>T, p.Pro3Ser (NM_001243597.3, NM_016952.6); short protein forms P3S.
Identifiers: ClinVar variation 930547 (VCV000930547.7), dbSNP rs771518021, ClinGen allele CA230557885.